The following is an entry in ClinVar:

NM_000170.3(GLDC):c.2601_2607del (p.Arg868fs)

Gene: GLDC (glycine decarboxylase; minus strand). Cytogenetic location: 9p24.1.
Variant type: Deletion.
Coding change: c.2601_2607del on transcript NM_000170.3 (MANE Select); coding-DNA positions 2601 to 2607, 7 bases deleted (GAGACCC; older notation c.2601_2607delGAGACCC).
Protein change: p.Arg868fs; shifts the reading frame from arginine 868.
Molecular consequence: frameshift variant.
Genome position (GRCh38, 1-based): chr9:6,540,109-6,540,115, GGGTCTC deleted on the plus strand (GAGACCC on the coding strand, the reverse complement: GLDC is on the minus strand); deleting any 7 consecutive bases within chr9:6,540,109-6,540,116 gives the same sequence; the c. name uses the placement nearest the transcript's 3' end. VCF-style (leftmost placement, unchanged base first): chr9-6540108-AGGGTCTC-A. GRCh37 (hg19) VCF-style: chr9-6540108-AGGGTCTC-A.
Other names: short protein forms R868fs.
Identifiers: ClinVar variation 5012733 (VCV005012733.1).

ClinVar aggregate classification (germline): Pathogenic (1 of 4 stars; one submission).

Conditions:
Glycine encephalopathy 1 (GCE1). Identifiers: MedGen CN376801, MONDO:0958179, OMIM 605899.

Submission:

Myriad Genetics, Inc.
Classification: Pathogenic for Glycine encephalopathy 1. Last evaluated: 2024-02-14. Review status: criteria provided, single submitter. Criteria: Myriad Autosomal Dominant, Autosomal Recessive and X-Linked Classification Criteria (2023). Collection method: clinical testing. Allele origin: unknown.
Comment: NM_000170.2(GLDC):c.2601_2607del7(R868Sfs*54) is expected to be pathogenic in the context of glycine encephalopathy, GLDC-related. This variant is predicted to lead to an abnormal or absent protein product due to the creation of a premature termination codon in GLDC, a gene where loss-of-function variants are known to be pathogenic. Please note: this variant was assessed in the context of healthy population screening.